The following is an entry in ClinVar:

NM_001374259.2(IL12RB2):c.1971_1972del (p.Arg658fs)

Gene: IL12RB2 (interleukin 12 receptor subunit beta 2; plus strand). Cytogenetic location: 1p31.3.
Variant type: Deletion.
Coding change: c.1971_1972del on transcript NM_001374259.2 (MANE Select); coding-DNA positions 1971 to 1972, 2 bases deleted (CA; older notation c.1971_1972delCA).
Protein change: p.Arg658fs; shifts the reading frame from arginine 658.
Molecular consequence: frameshift variant. On other transcripts: non-coding transcript variant (2), intron variant (3).
Genome position (GRCh38, 1-based): chr1:67,390,053-67,390,054, CA deleted. VCF-style (leftmost placement, unchanged base first): chr1-67390052-TCA-T. GRCh37 (hg19) VCF-style: chr1-67855735-TCA-T.
Other names: c.1713_1714del, p.Arg572fs (NM_001258215.1); c.1971_1972del, p.Arg658fs (NM_001559.3); c.1946+3384_1946+3385del (NM_001258214.1, NM_001319233.1); c.1856-5494_1856-5493del (NM_001258216.1); short protein forms R658fs, R572fs.
Identifiers: ClinVar variation 1396225 (VCV001396225.6), dbSNP rs2100283221, ClinGen allele CA2573132503.

ClinVar aggregate classification (germline): Uncertain significance (1 of 4 stars; one submission).

Allele frequency attached by ClinVar (database versions not stated): gnomAD exomes below 0.00001.

Submission:

Labcorp Genetics (formerly Invitae), Labcorp
Classification: Uncertain significance. Last evaluated: 2022-08-09. Review status: criteria provided, single submitter. Criteria: Invitae Variant Classification Sherloc (09022015). Collection method: clinical testing. Allele origin: germline.
Comment: This sequence change creates a premature translational stop signal (p.Arg658Thrfs*5) in the IL12RB2 gene. It is expected to result in an absent or disrupted protein product. However, the current clinical and genetic evidence is not sufficient to establish whether loss-of-function variants in IL12RB2 cause disease. This variant is not present in population databases (gnomAD no frequency). This variant has not been reported in the literature in individuals affected with IL12RB2-related conditions. ClinVar contains an entry for this variant (Variation ID: 1396225). In summary, the available evidence is currently insufficient to determine the role of this variant in disease. Therefore, it has been classified as a Variant of Uncertain Significance.